The following is an entry in ClinVar:

ClinVar aggregate classification (germline): Uncertain significance (1 of 4 stars; one submission).

Conditions:
Cornelia de Lange syndrome 3 (CDLS3). Also called: SMC3-Related Cornelia de Lange Syndrome; CORNELIA DE LANGE SYNDROME 3 WITH OR WITHOUT MIDLINE BRAIN DEFECTS. Identifiers: Orphanet 199, MedGen C1853099, MONDO:0012555, OMIM 610759.

Allele frequency attached by ClinVar (database versions not stated): ExAC 0.00001; gnomAD 0.00001; 1000 Genomes Project 30x 0.00016; 1000 Genomes Project 0.00020.
gnomAD v4.1: 2 of 1,612,976 alleles (0.00012%); highest among the groups gnomAD compares: South Asian, 0.0022%; no homozygotes.

Submission:

Labcorp Genetics (formerly Invitae), Labcorp
Classification: Uncertain significance for Cornelia de Lange syndrome 3. Last evaluated: 2024-01-27. Review status: criteria provided, single submitter. Criteria: Invitae Variant Classification Sherloc (09022015). Collection method: clinical testing. Allele origin: germline.
Comment: This sequence change falls in intron 15 of the SMC3 gene. It does not directly change the encoded amino acid sequence of the SMC3 protein. It affects a nucleotide within the consensus splice site. This variant is present in population databases (rs572340845, gnomAD 0.003%). This variant has not been reported in the literature in individuals affected with SMC3-related conditions. Variants that disrupt the consensus splice site are a relatively common cause of aberrant splicing (PMID: 17576681, 9536098). Algorithms developed to predict the effect of sequence changes on RNA splicing suggest that this variant is not likely to affect RNA splicing. In summary, the available evidence is currently insufficient to determine the role of this variant in disease. Therefore, it has been classified as a Variant of Uncertain Significance.

Literature cited by the submitters: PubMed 17576681; PubMed 9536098.

NM_005445.4(SMC3):c.1509+4G>C

Gene: SMC3 (structural maintenance of chromosomes 3; plus strand). Cytogenetic location: 10q25.2.
Variant type: single nucleotide variant.
Coding change: c.1509+4G>C on transcript NM_005445.4 (MANE Select); 4 bases into the intron after coding-DNA position 1509, G replaced by C.
Molecular consequence: intron variant.
Genome position (GRCh38, 1-based): chr10:110,589,995, G>C. VCF-style: chr10-110589995-G-C. GRCh37 (hg19) VCF-style: chr10-112349753-G-C.
Identifiers: ClinVar variation 3013200 (VCV003013200.3), dbSNP rs572340845, ClinGen allele CA5687976.